The following is an entry in ClinVar:

ClinVar aggregate classification (germline): Uncertain significance (1 of 4 stars; one submission).

Allele frequency attached by ClinVar (database versions not stated): TOPMed below 0.00001.

Submission:

Labcorp Genetics (formerly Invitae), Labcorp
Classification: Uncertain significance. Last evaluated: 2022-04-04. Review status: criteria provided, single submitter. Criteria: Invitae Variant Classification Sherloc (09022015). Collection method: clinical testing. Allele origin: germline.
Comment: This variant is not present in population databases (gnomAD no frequency). In summary, the available evidence is currently insufficient to determine the role of this variant in disease. Therefore, it has been classified as a Variant of Uncertain Significance. Algorithms developed to predict the effect of missense changes on protein structure and function (SIFT, PolyPhen-2, Align-GVGD) all suggest that this variant is likely to be tolerated. This variant has not been reported in the literature in individuals affected with XRCC2-related conditions. This sequence change replaces serine, which is neutral and polar, with threonine, which is neutral and polar, at codon 250 of the XRCC2 protein (p.Ser250Thr).

NM_005431.2(XRCC2):c.749G>C (p.Ser250Thr)

Gene: XRCC2 (X-ray repair cross complementing 2; minus strand). Cytogenetic location: 7q36.1.
Variant type: single nucleotide variant.
Coding change: c.749G>C on transcript NM_005431.2 (MANE Select); coding-DNA position 749, G replaced by C.
Protein change: p.Ser250Thr; replaces serine 250 with threonine.
Molecular consequence: missense variant.
Genome position (GRCh38, 1-based): chr7:152,648,736, C>G on the plus strand (G>C on the coding strand, the complement: XRCC2 is on the minus strand). VCF-style: chr7-152648736-C-G. GRCh37 (hg19) VCF-style: chr7-152345821-C-G.
Other names: short protein forms S250T.
Identifiers: ClinVar variation 2121250 (VCV002121250.4), dbSNP rs2098027140, ClinGen allele CA370198026.